The following is an entry in ClinVar:

ClinVar aggregate classification (germline): Uncertain significance (1 of 4 stars; one submission).

Submission:

Labcorp Genetics (formerly Invitae), Labcorp
Classification: Uncertain significance. Last evaluated: 2024-09-04. Review status: criteria provided, single submitter. Criteria: Invitae Variant Classification Sherloc (09022015). Collection method: clinical testing. Allele origin: germline.
Comment: This sequence change replaces methionine, which is neutral and non-polar, with lysine, which is basic and polar, at codon 1234 of the TBC1D32 protein (p.Met1234Lys). This variant is present in population databases (rs201112310, gnomAD 0.0009%). This variant has not been reported in the literature in individuals affected with TBC1D32-related conditions. An algorithm developed to predict the effect of missense changes on protein structure and function (PolyPhen-2) suggests that this variant is likely to be disruptive. In summary, the available evidence is currently insufficient to determine the role of this variant in disease. Therefore, it has been classified as a Variant of Uncertain Significance.

NM_152730.6(TBC1D32):c.3701T>A (p.Met1234Lys)

Gene: TBC1D32 (TBC1 domain family member 32; minus strand). Cytogenetic location: 6q22.31.
Variant type: single nucleotide variant.
Coding change: c.3701T>A on transcript NM_152730.6 (MANE Select); coding-DNA position 3701, T replaced by A.
Protein change: p.Met1234Lys; replaces methionine 1234 with lysine.
Molecular consequence: missense variant. On other transcripts: non-coding transcript variant (1).
Genome position (GRCh38, 1-based): chr6:121,080,844, A>T on the plus strand (T>A on the coding strand, the complement: TBC1D32 is on the minus strand). VCF-style: chr6-121080844-A-T. GRCh37 (hg19) VCF-style: chr6-121401990-A-T.
Other names: c.3824T>A, p.Met1275Lys (NM_001367760.1, NM_001367759.1); short protein forms M1275K, M1234K.
Identifiers: ClinVar variation 3694967 (VCV003694967.2).